The following is an entry in ClinVar:

NM_001365536.1(SCN9A):c.5830G>A (p.Glu1944Lys)

Genes: SCN9A (sodium voltage-gated channel alpha subunit 9; minus strand), SCN1A-AS1 (SCN1A and SCN9A antisense RNA 1; plus strand). Cytogenetic location: 2q24.3.
Variant type: single nucleotide variant.
Coding change: c.5830G>A on transcript NM_001365536.1 (MANE Select); coding-DNA position 5830, G replaced by A.
Protein change: p.Glu1944Lys; replaces glutamic acid 1944 with lysine.
Molecular consequence: missense variant.
Genome position (GRCh38, 1-based): chr2:166,198,809, C>T on the plus strand (G>A on the coding strand, the complement: SCN9A is on the minus strand). VCF-style: chr2-166198809-C-T. GRCh37 (hg19) VCF-style: chr2-167055319-C-T.
Other names: c.5797G>A, p.Glu1933Lys (NM_002977.4); short protein forms E1933K, E1944K.
Identifiers: ClinVar variation 2157220 (VCV002157220.4), dbSNP rs1553472749, ClinGen allele CA349051401.
Genomic context (GRCh38, chr2:166,198,809, plus strand): 5'-GCTTTGTTACACTATCATATGAAGGTGGAGAGGTGGTGGATGAAGTGGCATCTGTTTTTT[C>T]TGGACTTGAGTTCTCATTAACATTATCAAAAGCCATATCTTTTTTATTGAGTAAATCATC-3'
Protein context (NP_001352465.1, residues 1934-1954): FDNVNENSSP[Glu1944Lys]KTDATSSTTS

ClinVar aggregate classification (germline): Uncertain significance (1 of 4 stars; one submission).

Conditions:
Neuropathy, hereditary sensory and autonomic, type 2A (HSAN2A). Also called: WNK1-Related HSAN2 (HSAN2A); HSAN IIA; ACROOSTEOLYSIS, GIACCAI TYPE; ACROOSTEOLYSIS, NEUROGENIC; MORVAN DISEASE; NEUROPATHY, CONGENITAL SENSORY. Identifiers: Orphanet 970, MedGen C2752089, MONDO:0024309, OMIM 201300.
Generalized epilepsy with febrile seizures plus, type 7 (GEFSP7). Also called: GEFS+, TYPE 7. Identifiers: Orphanet 36387, MedGen C2751778, MONDO:0013470, OMIM 613863.

Allele frequency attached by ClinVar (database versions not stated): gnomAD exomes below 0.00001; TOPMed 0.00001.
gnomAD v4.1: 2 of 1,613,016 alleles (0.00012%); highest among the groups gnomAD compares: African/African-American, 0.0027%; no homozygotes.

Submission:

Labcorp Genetics (formerly Invitae), Labcorp
Classification: Uncertain significance for Neuropathy, hereditary sensory and autonomic, type 2A; Generalized epilepsy with febrile seizures plus, type 7. Last evaluated: 2022-05-03. Review status: criteria provided, single submitter. Criteria: Invitae Variant Classification Sherloc (09022015). Collection method: clinical testing. Allele origin: germline.
Comment: In summary, the available evidence is currently insufficient to determine the role of this variant in disease. Therefore, it has been classified as a Variant of Uncertain Significance. Algorithms developed to predict the effect of missense changes on protein structure and function (SIFT, PolyPhen-2, Align-GVGD) all suggest that this variant is likely to be tolerated. This variant has not been reported in the literature in individuals affected with SCN9A-related conditions. This variant is not present in population databases (gnomAD no frequency). This sequence change replaces glutamic acid, which is acidic and polar, with lysine, which is basic and polar, at codon 1933 of the SCN9A protein (p.Glu1933Lys).